The following is an entry in ClinVar:

ClinVar aggregate classification (germline): Uncertain significance (1 of 4 stars; one submission).

Allele frequency attached by ClinVar (database versions not stated): gnomAD 0.00001; ExAC 0.00002; TOPMed 0.00002.
gnomAD v4.1: 44 of 1,613,852 alleles (0.0027%); highest among the groups gnomAD compares: Non-Finnish European, 0.0034%; no homozygotes.

Submission:

Labcorp Genetics (formerly Invitae), Labcorp
Classification: Uncertain significance. Last evaluated: 2022-07-30. Review status: criteria provided, single submitter. Criteria: Invitae Variant Classification Sherloc (09022015). Collection method: clinical testing. Allele origin: germline.
Comment: This sequence change replaces aspartic acid, which is acidic and polar, with glycine, which is neutral and non-polar, at codon 5106 of the ADGRV1 protein (p.Asp5106Gly). This variant is present in population databases (rs776164433, gnomAD 0.003%). This variant has not been reported in the literature in individuals affected with ADGRV1-related conditions. Algorithms developed to predict the effect of missense changes on protein structure and function output the following: SIFT: "Tolerated"; PolyPhen-2: "Benign"; Align-GVGD: "Class C0". The glycine amino acid residue is found in multiple mammalian species, which suggests that this missense change does not adversely affect protein function. In summary, the available evidence is currently insufficient to determine the role of this variant in disease. Therefore, it has been classified as a Variant of Uncertain Significance.

NM_032119.4(ADGRV1):c.15317A>G (p.Asp5106Gly)

Gene: ADGRV1 (adhesion G protein-coupled receptor V1; plus strand). Cytogenetic location: 5q14.3.
Variant type: single nucleotide variant.
Coding change: c.15317A>G on transcript NM_032119.4 (MANE Select); coding-DNA position 15317, A replaced by G.
Protein change: p.Asp5106Gly; replaces aspartic acid 5106 with glycine.
Molecular consequence: missense variant. On other transcripts: non-coding transcript variant (1).
Genome position (GRCh38, 1-based): chr5:90,810,577, A>G. VCF-style: chr5-90810577-A-G. GRCh37 (hg19) VCF-style: chr5-90106394-A-G.
Other names: short protein forms D5106G.
Identifiers: ClinVar variation 1929371 (VCV001929371.2), dbSNP rs776164433, ClinGen allele CA3341896.